The following is an entry in ClinVar:

NM_001098484.3(SLC4A4):c.638G>A (p.Arg213Gln)

Gene: SLC4A4 (solute carrier family 4 member 4; plus strand). Cytogenetic location: 4q13.3.
Variant type: single nucleotide variant.
Coding change: c.638G>A on transcript NM_001098484.3 (MANE Select); coding-DNA position 638, G replaced by A.
Protein change: p.Arg213Gln; replaces arginine 213 with glutamine.
Molecular consequence: missense variant.
Genome position (GRCh38, 1-based): chr4:71,357,095, G>A. VCF-style: chr4-71357095-G-A. GRCh37 (hg19) VCF-style: chr4-72222812-G-A.
Other names: c.638G>A, p.Arg213Gln (NM_001134742.2); c.653G>A, p.Arg218Gln (NM_001440628.1); c.731G>A, p.Arg244Gln (NM_001440629.1); c.506G>A, p.Arg169Gln (NM_003759.4); short protein forms R169Q, R213Q, R218Q, R244Q.
Identifiers: ClinVar variation 4082512 (VCV004082512.2).
Genomic context (GRCh38, chr4:71,357,095, plus strand): 5'-CAGGCCTATTGAAACCTGAACTTAAGGATAAGGTGACCTATACTTTGCTCCGGAAGCACC[G>A]GCATCAAACCAAGAAATCCAACCTTCGGTCCCTGGCTGACATTGGGAAGACAGTCTCCAG-3'
Protein context (NP_001091954.1, residues 203-223): KVTYTLLRKH[Arg213Gln]HQTKKSNLRS

ClinVar aggregate classification (germline): Uncertain significance (1 of 4 stars; one submission).

gnomAD v4.1: 11 of 1,613,876 alleles (0.00068%); highest among the groups gnomAD compares: South Asian, 0.0011%; no homozygotes.

Submission:

Genetic Services Laboratory, University of Chicago
Classification: Uncertain significance. Last evaluated: 2023-09-08. Review status: criteria provided, single submitter. Criteria: ACMG Guidelines, 2015. Collection method: clinical testing. Allele origin: germline. Affected: no.
Comment: DNA sequence analysis of the SLC4A4 gene demonstrated a sequence change, c.506G>A, in exon 3 that results in an amino acid change, p.Arg169Gln. This sequence change does not appear to have been previously described in individuals with SLC4A4-related disorders and has also not been described in population databases such as ExAC and gnomAD. The p.Arg169Gln change affects a highly conserved amino acid residue located in a domain of the SLC4A4 protein that is known to be functional. In-silico pathogenicity prediction tools (SIFT, PolyPhen2, Align GVGD, REVEL) provide contradictory results for the p.Arg169Gln substitution. Due to insufficient evidences and the lack of functional studies, the clinical significance of the p.Arg169Gln change remains unknown at this time.